The following is an entry in ClinVar:

ClinVar aggregate classification (germline): Uncertain significance (1 of 4 stars; one submission).

Submission:

GeneDx
Classification: Uncertain significance. Last evaluated: 2022-12-15. Review status: criteria provided, single submitter. Criteria: GeneDx Variant Classification Process June 2021. Collection method: clinical testing. Allele origin: germline. Affected: yes.
Comment: Not observed at significant frequency in large population cohorts (gnomAD); In silico analysis supports that this missense variant has a deleterious effect on protein structure/function; Has not been previously published as pathogenic or benign to our knowledge

NM_006908.5(RAC1):c.140A>G (p.Asp47Gly)

Gene: RAC1 (Rac family small GTPase 1; plus strand). Cytogenetic location: 7p22.1.
Variant type: single nucleotide variant.
Coding change: c.140A>G on transcript NM_006908.5 (MANE Select); coding-DNA position 140, A replaced by G.
Protein change: p.Asp47Gly; replaces aspartic acid 47 with glycine.
Molecular consequence: missense variant.
Genome position (GRCh38, 1-based): chr7:6,391,956, A>G. VCF-style: chr7-6391956-A-G. GRCh37 (hg19) VCF-style: chr7-6431587-A-G.
Other names: c.140A>G, p.Asp47Gly (NM_018890.4); short protein forms D47G.
Identifiers: ClinVar variation 2505850 (VCV002505850.1), dbSNP rs2534029494, ClinGen allele CA366760826.
Genomic context (GRCh38, chr7:6,391,956, plus strand): 5'-GACTAACCATTTTCATTCCATTCTACAGCTTTGACAATTATTCTGCCAATGTTATGGTAG[A>G]TGGAAAACCGGTGAATCTGGGCTTATGGGATACAGCTGGACAAGAAGATTATGACAGATT-3'
Protein context (NP_008839.2, residues 37-57): FDNYSANVMV[Asp47Gly]GKPVNLGLWD